The following is an entry in ClinVar:

ClinVar aggregate classification (germline): Uncertain significance (1 of 4 stars; one submission).

Conditions:
Familial thoracic aortic aneurysm and aortic dissection (TAAD). Also called: Thoracic aortic aneurysms and dissections. Identifiers: Orphanet 91387, MedGen C4707243, MONDO:0019625.

Allele frequency attached by ClinVar (database versions not stated): gnomAD exomes 0.00001; ExAC 0.00003.

Submission:

Color Diagnostics, LLC DBA Color Health
Classification: Uncertain significance for Familial thoracic aortic aneurysm and aortic dissection. Last evaluated: 2021-06-07. Review status: criteria provided, single submitter. Criteria: ACMG Guidelines, 2015. Collection method: clinical testing. Allele origin: germline.
Comment: This variant changes 1 nucleotide in the 5' untranslated region of the MYH11 gene. To our knowledge, functional studies have not been reported for this variant. This variant has not been reported in individuals affected with cardiovascular disorders in the literature. This variant has been identified in 3/248768 chromosomes in the general population by the Genome Aggregation Database (gnomAD). The available evidence is insufficient to determine the role of this variant in disease conclusively. Therefore, this variant is classified as a Variant of Uncertain Significance.

NM_002474.3(MYH11):c.-12C>T

Gene: MYH11 (myosin heavy chain 11; minus strand). Cytogenetic location: 16p13.11.
Variant type: single nucleotide variant.
Coding change: c.-12C>T on transcript NM_002474.3 (MANE Select); 12 bases upstream of the start codon, C replaced by T.
Molecular consequence: 5 prime UTR variant.
Genome position (GRCh38, 1-based): chr16:15,838,264, G>A on the plus strand (C>T on the coding strand, the complement: MYH11 is on the minus strand). VCF-style: chr16-15838264-G-A. GRCh37 (hg19) VCF-style: chr16-15932121-G-A.
Other names: c.-12C>T (NM_001040113.2, NM_001040114.2, NM_022844.3).
Identifiers: ClinVar variation 1332286 (VCV001332286.2), dbSNP rs763118586, ClinGen allele CA7923137.